The following is an entry in ClinVar:

GRCh38/hg38 Xp11.4(chrX:38301150-38301469)x0

Gene: RPGR (retinitis pigmentosa GTPase regulator; minus strand). Cytogenetic location: Xp11.4.
Variant type: copy number loss.
Change: copy number 0 of chrX:38,301,150-38,301,469 (0.3 kb, GRCh38 coordinates, 1-based), cytogenetic band Xp11.4.
Identifiers: ClinVar variation 2579244 (VCV002579244.1).

ClinVar aggregate classification (germline): Pathogenic (1 of 4 stars; one submission).

Conditions:
Retinitis pigmentosa 3. Also called: CHOROIDORETINAL DEGENERATION WITH RETINAL REFLEX IN HETEROZYGOUS WOMEN. Identifiers: Orphanet 791, MedGen C1845667, MONDO:0010227, OMIM 300029.

Submission:

Broad Center for Mendelian Genomics, Broad Institute of MIT and Harvard
Classification: Pathogenic for Retinitis pigmentosa 3. Last evaluated: 2023-08-24. Review status: criteria provided, single submitter. Criteria: ACMG/ClinGen CNV Guidelines, 2019. Collection method: research. Allele origin: unknown. Inheritance: X-linked inheritance. Affected: yes.
Comment: These breakpoints have been estimated by exome sequencing only and therefore may not reflect the true breakpoints. Inheritance information is unavailable. The patient phenotype is nonspecific, but is consistent with cases described in the literature and/or published databases with overlapping variants. This intragenic variant is predicted to cause a frameshift, which alters the protein’s amino acid sequence beginning at exon 9 and leads to a premature termination codon. This alteration is then predicted to lead to a truncated or absent protein. Loss of function of PRGR is an established disease mechanism in retinitis pigmentosa. In summary, this variant meets criteria to be classified as pathogenic for X-linked retinitis pigmentosa. The ACMG/ClinGen evidence codes and points used in this curation are as follows: 1: 0 points, 2: 0.90 points, 3: 0 points, 4-5: 0.15 points; Total: 1.05 points; Riggs 2020 (PMID: 31690835).

Literature cited by the submitters: PubMed 34906470.